The following is an entry in ClinVar:

ClinVar aggregate classification (germline): Uncertain significance. Review status: criteria provided, multiple submitters, no conflicts (2 of 4 stars). 2 submissions from 2 submitters: Uncertain significance (2). Last evaluated 2025-07-10.

Allele frequency attached by ClinVar (database versions not stated): TOPMed 0.00005; ExAC 0.00008; gnomAD 0.00005; gnomAD exomes 0.00007.
gnomAD v4.1: 118 of 1,614,090 alleles (0.0073%); highest among the groups gnomAD compares: East Asian, 0.022%; no homozygotes.

Submissions (2):

Dasa
Classification: Uncertain significance. Last evaluated: 2025-07-10. Review status: criteria provided, single submitter. Criteria: DASA Assertion Criteria. Collection method: clinical testing. Allele origin: germline.
Comment: NM_006576.4(AVIL):c.1876G>A (p.Gly626Ser) is a missense variant that results in the substitution of glycine with serine. This variant has been observed in affected individuals with AVIL-related disorders. Also, this variant is rare in population databases. The currently available literature and clinical evidence are not sufficient to establish a definitive association between this variant and the reported condition. Therefore, this variant is classified as a variant of uncertain significance.

Ambry Genetics
Classification: Uncertain significance. Last evaluated: 2021-08-09. Review status: criteria provided, single submitter. Criteria: Ambry Variant Classification Scheme 2023. Collection method: clinical testing. Allele origin: germline.

NM_006576.4(AVIL):c.1876G>A (p.Gly626Ser)

Gene: AVIL (advillin; minus strand). Cytogenetic location: 12q14.1.
Variant type: single nucleotide variant.
Coding change: c.1876G>A on transcript NM_006576.4 (MANE Select); coding-DNA position 1876, G replaced by A.
Protein change: p.Gly626Ser; replaces glycine 626 with serine.
Molecular consequence: missense variant.
Genome position (GRCh38, 1-based): chr12:57,803,333, C>T on the plus strand (G>A on the coding strand, the complement: AVIL is on the minus strand). VCF-style: chr12-57803333-C-T. GRCh37 (hg19) VCF-style: chr12-58197116-C-T.
Other names: short protein forms G626S.
Identifiers: ClinVar variation 2410896 (VCV002410896.4), dbSNP rs766937793, ClinGen allele CA6659667.